The following is an entry in ClinVar:

NM_000834.5(GRIN2B):c.1119G>A (p.Trp373Ter)

Gene: GRIN2B (glutamate ionotropic receptor NMDA type subunit 2B; minus strand). Cytogenetic location: 12p13.1.
Variant type: single nucleotide variant.
Coding change: c.1119G>A on transcript NM_000834.5 (MANE Select); coding-DNA position 1119, G replaced by A.
Protein change: p.Trp373Ter; replaces tryptophan 373 with a stop codon.
Molecular consequence: nonsense.
Genome position (GRCh38, 1-based): chr12:13,675,751, C>T on the plus strand (G>A on the coding strand, the complement: GRIN2B is on the minus strand). VCF-style: chr12-13675751-C-T. GRCh37 (hg19) VCF-style: chr12-13828685-C-T.
Other names: NC_000012.11:g.13828685C>T; short protein forms W373*.
Identifiers: ClinVar variation 916603 (VCV000916603.2), dbSNP rs1555119408, ClinGen allele CA384050583.

ClinVar aggregate classification (germline): Pathogenic (1 of 4 stars; one submission).

Conditions:
Intellectual developmental disorder, autosomal dominant 6, with or without seizures. Also called: GRIN2B-related developmental delay, intellectual disability and autism spectrum disorder; Intellectual disability, autosomal dominant 6. Identifiers: Orphanet 589547, MedGen C3151411, MONDO:0013509, OMIM 613970.

Submissions (2):

Institute of Human Genetics, University of Leipzig Medical Center
Classification: Pathogenic for Intellectual developmental disorder, autosomal dominant 6, with or without seizures. Last evaluated: 2017-04-04. Review status: criteria provided, single submitter. Criteria: ACMG Guidelines, 2015. Collection method: clinical testing. Allele origin: de novo. Affected: yes.
Comment: This variant was identified as de novo (maternity and paternity confirmed).

Dr. Peter K. Rogan Lab, Western University
No classification provided (evidence only). Condition: Squamous cell carcinoma of the head and neck. Review status: no classification provided. Collection method: in vitro. Allele origin: not applicable. Functional consequence: retained intron. Not counted in ClinVar's aggregate classification.

Literature cited by the submitters: PubMed 28377535 (cited by Institute of Human Genetics, University of Leipzig Medical Center).